The following is an entry in ClinVar:

ClinVar aggregate classification (germline): Uncertain significance (1 of 4 stars; one submission).

Conditions:
POLD1-related polyposis and colorectal cancer syndrome (CRCS10). Also called: Colorectal cancer, susceptibility to, 10; Colorectal cancer 10; COLORECTAL CANCER, SUSCEPTIBILITY TO, ON CHROMOSOME 19q. Identifiers: Orphanet 220460, MedGen C2675481, MONDO:0012953, OMIM 612591.

Submission:

Labcorp Genetics (formerly Invitae), Labcorp
Classification: Uncertain significance for POLD1-related polyposis and colorectal cancer syndrome. Last evaluated: 2021-12-15. Review status: criteria provided, single submitter. Criteria: Invitae Variant Classification Sherloc (09022015). Collection method: clinical testing. Allele origin: germline.
Comment: In summary, the available evidence is currently insufficient to determine the role of this variant in disease. Therefore, it has been classified as a Variant of Uncertain Significance. Algorithms developed to predict the effect of sequence changes on RNA splicing suggest that this variant may disrupt the consensus splice site. This variant has not been reported in the literature in individuals affected with POLD1-related conditions. This variant is not present in population databases (gnomAD no frequency). This sequence change affects an acceptor splice site in intron 16 of the POLD1 gene. Missense variants that disrupt the 3'-5' exonuclease (proof-reading) activity of the POLD1 protein are associated with an increased risk for colonic adenomatous polyps and colon cancer (PMID: 23263490, 23447401). However, loss-of-function variants that result in an absent or severely disrupted POLD1 protein, and missense variants outside the exonuclease domain, are unlikely to be associated with polyposis or colon cancer.

Literature cited by the submitters: PubMed 23263490; PubMed 23447401.

NM_002691.4(POLD1):c.2007-1G>A

Gene: POLD1 (DNA polymerase delta 1, catalytic subunit; plus strand). Cytogenetic location: 19q13.33.
Variant type: single nucleotide variant.
Coding change: c.2007-1G>A on transcript NM_002691.4 (MANE Select); the canonical splice acceptor site of the intron before coding-DNA position 2007, G replaced by A.
Molecular consequence: splice acceptor variant.
Genome position (GRCh38, 1-based): chr19:50,409,518, G>A. VCF-style: chr19-50409518-G-A. GRCh37 (hg19) VCF-style: chr19-50912775-G-A.
Other names: c.2007-1G>A (NM_001256849.1); c.2085-1G>A (NM_001308632.1).
Identifiers: ClinVar variation 1397074 (VCV001397074.6), dbSNP rs2122384260, ClinGen allele CA406982432.